The following is an entry in ClinVar:

NM_001098816.3(TENM4):c.1264A>G (p.Ser422Gly)

Gene: TENM4 (teneurin transmembrane protein 4; minus strand). Cytogenetic location: 11q14.1.
Variant type: single nucleotide variant.
Coding change: c.1264A>G on transcript NM_001098816.3 (MANE Select); coding-DNA position 1264, A replaced by G.
Protein change: p.Ser422Gly; replaces serine 422 with glycine.
Molecular consequence: missense variant.
Genome position (GRCh38, 1-based): chr11:78,856,170, T>C on the plus strand (A>G on the coding strand, the complement: TENM4 is on the minus strand). VCF-style: chr11-78856170-T-C. GRCh37 (hg19) VCF-style: chr11-78567215-T-C.
Other names: c.1264A>G (NM_001098816.2); short protein forms S422G.
Identifiers: ClinVar variation 4821359 (VCV004821359.5).

ClinVar aggregate classification (germline): Benign. Review status: criteria provided, multiple submitters, no conflicts (2 of 4 stars). 2 submissions from 2 submitters: Benign (2). Last evaluated 2026-04-16.

Conditions:
TENM4-related disorder. Also called: TENM4-related condition.

gnomAD v4.1: 1,329 of 1,551,398 alleles (0.086%); highest among the groups gnomAD compares: South Asian, 1.5%; 23 homozygotes.

Submissions (2):

PreventionGenetics, part of Exact Sciences
Classification: Benign for TENM4-related condition. Last evaluated: 2026-04-16. Review status: criteria provided, single submitter. Criteria: ACMG Guidelines, 2015. Collection method: clinical testing. Allele origin: germline.
Comment: This variant is classified as benign based on ACMG/AMP sequence variant interpretation guidelines (Richards et al. 2015 PMID: 25741868, with internal and published modifications).

CeGaT Center for Human Genetics Tuebingen
Classification: Benign. Last evaluated: 2026-01-01. Review status: criteria provided, single submitter. Criteria: CeGaT Center For Human Genetics Tuebingen Variant Classification Criteria Version 2. Collection method: clinical testing. Allele origin: germline. Affected: yes. Observed: 1 variant allele.
Comment: TENM4: BP4, BS1, BS2